The following is an entry in ClinVar:

NM_024529.5(CDC73):c.1279G>A (p.Val427Ile)

Gene: CDC73 (cell division cycle 73; plus strand). Cytogenetic location: 1q31.2.
Variant type: single nucleotide variant.
Coding change: c.1279G>A on transcript NM_024529.5 (MANE Select); coding-DNA position 1279, G replaced by A.
Protein change: p.Val427Ile; replaces valine 427 with isoleucine.
Molecular consequence: missense variant.
Genome position (GRCh38, 1-based): chr1:193,233,117, G>A. VCF-style: chr1-193233117-G-A. GRCh37 (hg19) VCF-style: chr1-193202247-G-A.
Other names: short protein forms V427I.
Identifiers: ClinVar variation 1493273 (VCV001493273.6), dbSNP rs2102058420, ClinGen allele CA344077992.

ClinVar aggregate classification (germline): Uncertain significance (1 of 4 stars; one submission).

Conditions:
Parathyroid carcinoma (PRTC). Also called: CDC73-Related Parathyroid Carcinoma; Parathyroid gland carcinoma. Identifiers: Orphanet 143, MedGen C0687150, MONDO:0012004, OMIM 608266, HP:0006780.

Allele frequency attached by ClinVar (database versions not stated): gnomAD exomes below 0.00001.
gnomAD v4.1: 1 of 1,613,524 alleles (0.000062%); highest among the groups gnomAD compares: South Asian, 0.0011%; no homozygotes.

Submission:

Labcorp Genetics (formerly Invitae), Labcorp
Classification: Uncertain significance for Parathyroid carcinoma. Last evaluated: 2021-12-15. Review status: criteria provided, single submitter. Criteria: Invitae Variant Classification Sherloc (09022015). Collection method: clinical testing. Allele origin: germline.
Comment: In summary, the available evidence is currently insufficient to determine the role of this variant in disease. Therefore, it has been classified as a Variant of Uncertain Significance. Algorithms developed to predict the effect of missense changes on protein structure and function (SIFT, PolyPhen-2, Align-GVGD) all suggest that this variant is likely to be tolerated. This variant has not been reported in the literature in individuals affected with CDC73-related conditions. This variant is not present in population databases (gnomAD no frequency). This sequence change replaces valine, which is neutral and non-polar, with isoleucine, which is neutral and non-polar, at codon 427 of the CDC73 protein (p.Val427Ile).